The following is an entry in ClinVar:

ClinVar aggregate classification (germline): Uncertain significance (1 of 4 stars; one submission).

Conditions:
Fanconi anemia (FA). Also called: Fanconi's anemia. Identifiers: Orphanet 84, MedGen C0015625, MeSH D005199, MONDO:0019391.

gnomAD v4.1: 2 of 1,613,982 alleles (0.00012%); highest among the groups gnomAD compares: Non-Finnish European, 0.000085%; no homozygotes.

Submission:

Labcorp Genetics (formerly Invitae), Labcorp
Classification: Uncertain significance for Fanconi anemia. Last evaluated: 2025-08-11. Review status: criteria provided, single submitter. Criteria: Invitae Variant Classification Sherloc (09022015). Collection method: clinical testing. Allele origin: germline.
Comment: This sequence change replaces leucine, which is neutral and non-polar, with phenylalanine, which is neutral and non-polar, at codon 745 of the FANCI protein (p.Leu745Phe). This variant is not present in population databases (gnomAD no frequency). This variant has not been reported in the literature in individuals affected with FANCI-related conditions. ClinVar contains an entry for this variant (Variation ID: 2418784). Invitae Evidence Modeling of protein sequence and biophysical properties (such as structural, functional, and spatial information, amino acid conservation, physicochemical variation, residue mobility, and thermodynamic stability) indicates that this missense variant is expected to disrupt FANCI protein function with a positive predictive value of 80%. In summary, the available evidence is currently insufficient to determine the role of this variant in disease. Therefore, it has been classified as a Variant of Uncertain Significance.

NM_001113378.2(FANCI):c.2233C>T (p.Leu745Phe)

Gene: FANCI (FA complementation group I; plus strand). Cytogenetic location: 15q26.1.
Variant type: single nucleotide variant.
Coding change: c.2233C>T on transcript NM_001113378.2 (MANE Select); coding-DNA position 2233, C replaced by T.
Protein change: p.Leu745Phe; replaces leucine 745 with phenylalanine.
Molecular consequence: missense variant.
Genome position (GRCh38, 1-based): chr15:89,293,005, C>T. VCF-style: chr15-89293005-C-T. GRCh37 (hg19) VCF-style: chr15-89836236-C-T.
Other names: c.1954C>T, p.Leu652Phe (NM_001376910.1); c.2233C>T, p.Leu745Phe (NM_001376911.1, NM_018193.3); short protein forms L652F, L745F.
Identifiers: ClinVar variation 2418784 (VCV002418784.6), dbSNP rs1412226523, ClinGen allele CA393749398.
Genomic context (GRCh38, chr15:89,293,005, plus strand): 5'-AAATCAGCAGATTTTTCTCAGAGCACCAGTATTGGCATAAAAAATAATATCTGTGCTTTT[C>T]TTGTGATGGGAGTTTGTGAGGTTTTAATAGAATACAATTTCTCCATAAGTAGTTTCAGGT-3'
Protein context (NP_001106849.1, residues 735-755): IGIKNNICAF[Leu745Phe]VMGVCEVLIE